The following is an entry in ClinVar:

NM_000426.4(LAMA2):c.4623T>G (p.Pro1541=)

Gene: LAMA2 (laminin subunit alpha 2; plus strand). Cytogenetic location: 6q22.33.
Variant type: single nucleotide variant.
Coding change: c.4623T>G on transcript NM_000426.4 (MANE Select); coding-DNA position 4623, T replaced by G.
Protein change: p.Pro1541=; no amino-acid change (proline 1541 retained).
Molecular consequence: synonymous variant.
Genome position (GRCh38, 1-based): chr6:129,353,263, T>G. VCF-style: chr6-129353263-T-G. GRCh37 (hg19) VCF-style: chr6-129674408-T-G.
Other names: c.4623T>G, p.Pro1541= (NM_001079823.2).
Identifiers: ClinVar variation 2656906 (VCV002656906.24), dbSNP rs781727788, ClinGen allele CA451927272.
Genomic context (GRCh38, chr6:129,353,263, plus strand): 5'-AGGCTCCTGCCAAGAATGTGAGTGTGATCCCTATGGCTCACTGCCTGTGCCCTGTGACCC[T>G]GTCACAGGATTCTGCACGTGCCGACCTGGAGCCACGGGAAGGAAGTGTGACGGCTGCAAG-3'
Protein context (NP_000417.3, residues 1531-1551): PYGSLPVPCD[Pro1541=]VTGFCTCRPG

ClinVar aggregate classification (germline): Likely benign (1 of 4 stars; one submission).

Submission:

CeGaT Center for Human Genetics Tuebingen
Classification: Likely benign. Last evaluated: 2023-10-01. Review status: criteria provided, single submitter. Criteria: CeGaT Center For Human Genetics Tuebingen Variant Classification Criteria Version 2. Collection method: clinical testing. Allele origin: germline. Affected: yes. Observed: 1 variant allele.
Comment: LAMA2: PM2:Supporting, BP4, BP7